The following is an entry in ClinVar:

NM_014915.3(ANKRD26):c.4505A>T (p.Gln1502Leu)

Gene: ANKRD26 (ankyrin repeat domain containing 26; minus strand). Cytogenetic location: 10p12.1.
Variant type: single nucleotide variant.
Coding change: c.4505A>T on transcript NM_014915.3 (MANE Select); coding-DNA position 4505, A replaced by T.
Protein change: p.Gln1502Leu; replaces glutamine 1502 with leucine.
Molecular consequence: missense variant.
Genome position (GRCh38, 1-based): chr10:27,017,503, T>A on the plus strand (A>T on the coding strand, the complement: ANKRD26 is on the minus strand). VCF-style: chr10-27017503-T-A. GRCh37 (hg19) VCF-style: chr10-27306432-T-A.
Other names: c.4502A>T, p.Gln1501Leu (NM_001256053.2); short protein forms Q1502L, Q1501L.
Identifiers: ClinVar variation 3871890 (VCV003871890.1).

ClinVar aggregate classification (germline): Uncertain significance (1 of 4 stars; one submission).

Conditions:
Inborn genetic diseases. Identifiers: MedGen C0950123, MeSH D030342.

gnomAD v4.1: 2 of 1,613,290 alleles (0.00012%); highest among the groups gnomAD compares: African/African-American, 0.0013%; no homozygotes.

Submission:

Ambry Genetics
Classification: Uncertain significance for Inborn genetic diseases. Last evaluated: 2025-03-01. Review status: criteria provided, single submitter. Criteria: Ambry Variant Classification Scheme 2023. Collection method: clinical testing. Allele origin: germline.
Comment: The p.Q1502L variant (also known as c.4505A>T), located in coding exon 30 of the ANKRD26 gene, results from an A to T substitution at nucleotide position 4505. The glutamine at codon 1502 is replaced by leucine, an amino acid with dissimilar properties. This amino acid position is conserved. In addition, the in silico prediction for this alteration is inconclusive. Based on the available evidence, the clinical significance of this variant remains unclear.